The following is an entry in ClinVar:

NM_020911.2(PLXNA4):c.13C>T (p.Pro5Ser)

Gene: PLXNA4 (plexin A4; minus strand). Cytogenetic location: 7q32.3.
Variant type: single nucleotide variant.
Coding change: c.13C>T on transcript NM_020911.2 (MANE Select); coding-DNA position 13, C replaced by T.
Protein change: p.Pro5Ser; replaces proline 5 with serine.
Molecular consequence: missense variant.
Genome position (GRCh38, 1-based): chr7:132,508,681, G>A on the plus strand (C>T on the coding strand, the complement: PLXNA4 is on the minus strand). VCF-style: chr7-132508681-G-A. GRCh37 (hg19) VCF-style: chr7-132193440-G-A.
Other names: c.13C>T, p.Pro5Ser (NM_001105543.2, NM_001393897.1, NM_181775.4); short protein forms P5S.
Identifiers: ClinVar variation 3350148 (VCV003350148.2).

ClinVar aggregate classification (germline): Uncertain significance (1 of 4 stars; one submission).

Conditions:
PLXNA4-related disorder. Also called: PLXNA4-related condition.

Submission:

PreventionGenetics, part of Exact Sciences
Classification: Uncertain significance for PLXNA4-related condition. Last evaluated: 2026-05-23. Review status: criteria provided, single submitter. Criteria: ACMG Guidelines, 2015. Collection method: clinical testing. Allele origin: germline.
Comment: The PLXNA4 c.13C>T variant is predicted to result in the amino acid substitution p.Pro5Ser. To our knowledge, this variant has not been reported in the literature. This variant is reported in 0.011% of alleles in individuals of African descent in gnomAD. At this time, the clinical significance of this variant is uncertain due to the absence of conclusive functional and genetic evidence.